The following is an entry in ClinVar:

NM_004260.4(RECQL4):c.3268G>C (p.Glu1090Gln)

Gene: RECQL4 (RecQ like helicase 4; minus strand). Cytogenetic location: 8q24.3.
Variant type: single nucleotide variant.
Coding change: c.3268G>C on transcript NM_004260.4 (MANE Select); coding-DNA position 3268, G replaced by C.
Protein change: p.Glu1090Gln; replaces glutamic acid 1090 with glutamine.
Molecular consequence: missense variant.
Genome position (GRCh38, 1-based): chr8:144,512,036, C>G on the plus strand (G>C on the coding strand, the complement: RECQL4 is on the minus strand). VCF-style: chr8-144512036-C-G. GRCh37 (hg19) VCF-style: chr8-145737419-C-G.
Other names: short protein forms E1090Q.
Identifiers: ClinVar variation 459469 (VCV000459469.5), dbSNP rs756401653, ClinGen allele CA187679198.
Genomic context (GRCh38, chr8:144,512,036, plus strand): 5'-CCTCAAAGTAGCGGCCGAGCAGGTCCTTGAGCCTGGTGCTGCGCTCCTCATCCTGCTGCT[C>G]CAGGCAGGGCCCGCAGCTGGGGAAGGCTACGCTGTGGGGAGGAGCCTGTCAGAGCTGATC-3'
Protein context (NP_004251.4, residues 1080-1100): VAFPSCGPCL[Glu1090Gln]QQDEERSTRL

ClinVar aggregate classification (germline): Uncertain significance (1 of 4 stars; one submission).

Conditions:
Baller-Gerold syndrome (BGS). Also called: CRANIOSYNOSTOSIS WITH RADIAL DEFECTS. Identifiers: Orphanet 1225, MedGen C0265308, MONDO:0009039, OMIM 218600.

Allele frequency attached by ClinVar (database versions not stated): TOPMed 0.00002.
gnomAD v4.1: 2 of 1,608,524 alleles (0.00012%); highest among the groups gnomAD compares: African/African-American, 0.0027%; no homozygotes.

Submission:

Labcorp Genetics (formerly Invitae), Labcorp
Classification: Uncertain significance for Baller-Gerold syndrome. Last evaluated: 2023-04-19. Review status: criteria provided, single submitter. Criteria: Invitae Variant Classification Sherloc (09022015). Collection method: clinical testing. Allele origin: germline.
Comment: In summary, the available evidence is currently insufficient to determine the role of this variant in disease. Therefore, it has been classified as a Variant of Uncertain Significance. Advanced modeling of protein sequence and biophysical properties (such as structural, functional, and spatial information, amino acid conservation, physicochemical variation, residue mobility, and thermodynamic stability) performed at Invitae indicates that this missense variant is not expected to disrupt RECQL4 protein function. ClinVar contains an entry for this variant (Variation ID: 459469). This variant has not been reported in the literature in individuals affected with RECQL4-related conditions. This variant is not present in population databases (gnomAD no frequency). This sequence change replaces glutamic acid, which is acidic and polar, with glutamine, which is neutral and polar, at codon 1090 of the RECQL4 protein (p.Glu1090Gln).